The following is an entry in ClinVar:

ClinVar aggregate classification (germline): Pathogenic/Likely pathogenic. Review status: criteria provided, multiple submitters, no conflicts (2 of 4 stars). 7 submissions from 7 submitters: Pathogenic (1); Likely pathogenic (5). 1 of the submissions does not count toward it. Last evaluated 2025-07-07.

Conditions:
Irido-corneo-trabecular dysgenesis (ASGD5). Also called: ANTERIOR SEGMENT DYSGENESIS 5. Identifiers: Orphanet 708, MedGen C0344559, MONDO:0011414, OMIM 604229, HP:0000659.
Isolated optic nerve hypoplasia. Also called: Bilateral optic nerve hypoplasia. Identifiers: Orphanet 637061, MedGen C1833797, MONDO:0008136, OMIM 165550.
Coloboma, ocular, autosomal dominant (MCOPCB12). Also called: Microphthalmia/coloboma 12. Identifiers: MedGen C5886785, MONDO:0007350, OMIM 120200.
Foveal hypoplasia 1. Also called: FOVEAL HYPOPLASIA 1 WITH OR WITHOUT ANTERIOR SEGMENT ANOMALIES AND/OR CATARACT; FOVEAL HYPOPLASIA 1 WITH ANTERIOR SEGMENT ANOMALIES. Identifiers: Orphanet 2253, MedGen C3805604, MONDO:0007628, OMIM 136520.
Coloboma of optic nerve. Also called: Congenital coloboma of the optic nerve; Coloboma of optic nerve (disease); OPTIC NERVE HEAD PITS, BILATERAL CONGENITAL. Identifiers: Orphanet 35737, Orphanet 98947, MedGen C0155299, MONDO:0007354, OMIM 120430, HP:0000588.
Autosomal dominant keratitis. Also called: Keratitis, hereditary. Identifiers: Orphanet 2334, MedGen C1835698, MONDO:0007848, OMIM 148190.
Aniridia 1 (AN1). Identifiers: Orphanet 250923, MedGen C0344542, MONDO:0024507, OMIM 106210.
PAX6-related ocular dysgenesis. Identifiers: MedGen CN322461, MONDO:0800183.
PAX6-related disorder. Also called: PAX6-related disorders; PAX6-related condition.
Aniridia, atypical. Identifiers: MedGen C4017066.

Submissions (7):

Labcorp Genetics (formerly Invitae), Labcorp
Classification: Pathogenic for Aniridia 1; Irido-corneo-trabecular dysgenesis. Last evaluated: 2025-07-07. Review status: criteria provided, single submitter. Criteria: Invitae Variant Classification Sherloc (09022015). Collection method: clinical testing. Allele origin: germline.
Comment: This sequence change replaces valine, which is neutral and non-polar, with aspartic acid, which is acidic and polar, at codon 126 of the PAX6 protein (p.Val126Asp). This variant is not present in population databases (gnomAD no frequency). This missense change has been observed in individual(s) with aniridia (PMID: 9931324, 37217489). Invitae Evidence Modeling of clinical and family history, age, sex, and reported ancestry of multiple individuals with this PAX6 variant has been performed. This variant is expected to be pathogenic with a positive predictive value of at least 99%. This is a validated machine learning model that incorporates the clinical features of 11,666 individuals referred to our laboratory for PAX6 testing. ClinVar contains an entry for this variant (Variation ID: 3471). Invitae Evidence Modeling of protein sequence and biophysical properties (such as structural, functional, and spatial information, amino acid conservation, physicochemical variation, residue mobility, and thermodynamic stability) indicates that this missense variant is expected to disrupt PAX6 protein function with a positive predictive value of 80%. Experimental studies are conflicting or provide insufficient evidence to determine the effect of this variant on PAX6 function (PMID: 14744876, 27013732). For these reasons, this variant has been classified as Pathogenic.

Variantyx, Inc.
Classification: Likely pathogenic for Aniridia 1. Last evaluated: 2025-04-30. Review status: criteria provided, single submitter. Criteria: Variantyx Assertion Criteria 2022. Collection method: clinical testing. Allele origin: germline. Inheritance: Autosomal dominant inheritance. Affected: yes.
Comment: This is a nonsynonymous variant in the PAX6 gene (OMIM: 607108). Pathogenic variants in this gene have been associated with autosomal dominant aniridia. This variant has been reported in several unrelated affected individuals (PMID: 27013732, 9931324, 37217489) (PS4). Multiple computational algorithms predict a deleterious effect for this variant (REVEL score: 0.934) (PP3). This variant is absent from control populations (PM2). Based on the current evidence, this variant is classified as likely pathogenic for autosomal dominant aniridia.This variant was reported by previous genetic testing.

Ophthalmic Genetics and Bioinformatics Laboratory, Shanghai Puxi and Light Genomics Technology Co., Ltd.
Classification: Likely pathogenic for Foveal hypoplasia 1; Irido-corneo-trabecular dysgenesis. Last evaluated: 2025-02-10. Review status: criteria provided, single submitter. Criteria: ACMG Guidelines, 2015. Collection method: clinical testing. Allele origin: unknown. Affected: yes.
Comment: The variant is rated as PM2_Supporting + PS2 + PP3 based on the following evidence: This variant is extremely rare or absent in the ExAC, gnomAD, and 1000 Genomes Asian population databases, indicating a low population frequency. Additionally, the origin of this variant is not clearly defined in the current test, but it has been reported in the literature as a de novo mutation (the proband is an atypical aniridia patient, and the father is a mosaic carrier) [PMID: 9931324]. Furthermore, multiple variant prediction tools suggest that this variant may be pathogenic, supporting its potential harmful effect.

Clinical Genetics Laboratory, Region Ostergotland
Classification: Likely pathogenic for PAX6-related ocular dysgenesis. Last evaluated: 2025-01-03. Review status: criteria provided, single submitter. Criteria: ACMG Guidelines, 2015. Collection method: clinical testing. Allele origin: germline. Affected: yes.
Comment: The variant is not found in population database (no frequency gnomAD v4.1.0). REVEL score for this missense variant is 0.934. The variant is in exon 7 in the DNA-binding paired domain (PD). The variant is found in three individuals with Aniridia (PMID:37217489, PMID:9931324). Based on this information, the following ACMG/AMP criteria were applied in classifying this variant: PM2_supp, PS4_mod, PP3_mod, PM1

PreventionGenetics, part of Exact Sciences
Classification: Likely pathogenic for PAX6-related condition. Last evaluated: 2024-11-15. Review status: criteria provided, single submitter. Criteria: ACMG Guidelines, 2015. Collection method: clinical testing. Allele origin: germline.
Comment: The PAX6 c.419T>A variant is predicted to result in the amino acid substitution p.Val140Asp. This variant can also be denoted as c.377T>A (p.Val126Asp) in transcript NM_000280.4. This variant has been reported in an individual with ectopia pupillae (Hanson et al. 1999. PubMed ID: 9931324) and in an individual with retinal disease (Table S1, Schlottmann et al. 2023. PubMed ID: 37217489). The in silico predicted effect of this variant is damaging, missense variants are highly constrained in PAX6, and functional studies have demonstrated that the p.Val140Asp substitution reduces protein function (Chauhan et al. 2004. PubMed ID: 14744876). This variant is absent in a large population database (gnomAD), indicating this variant is rare. This variant is interpreted as likely pathogenic.

Juno Genomics, Hangzhou Juno Genomics, Inc
Classification: Likely pathogenic for Coloboma, ocular, autosomal dominant; Coloboma of optic nerve; Aniridia 1; Irido-corneo-trabecular dysgenesis; Foveal hypoplasia 1; Autosomal dominant keratitis; Isolated optic nerve hypoplasia. Review status: criteria provided, single submitter. Criteria: ACMG Guidelines, 2015. Collection method: clinical testing. Allele origin: germline. Affected: yes.
Comment: Absent from controls (or at extremely low frequency if recessive) in Genome Aggregation Database, Exome Sequencing Project, 1000 Genomes Project, or Exome Aggregation Consortium.;Multiple lines of computational evidence support a deleterious effect on the gene or gene product (conservation, evolutionary, splicing impact, etc).;Missense variant in a gene that has a low rate of benign missense variation and where missense variants are a common mechanism of disease.;The prevalence of the variant in affected individuals is significantly increased compared to the prevalence in controls.;Patient's phenotype or family history is highly specific for a disease with a single genetic etiology.

OMIM
Classification: Pathogenic for ANIRIDIA, ATYPICAL. Last evaluated: 1999-02-01. Review status: no assertion criteria provided. Collection method: literature only. Allele origin: germline. Not counted in ClinVar's aggregate classification.

Literature cited by the submitters: PubMed 9931324 (cited by 5 submitters); PubMed 37217489 (cited by 3 submitters); PubMed 14744876 (cited by Labcorp Genetics (formerly Invitae), Labcorp); PubMed 27013732 (cited by Labcorp Genetics (formerly Invitae), Labcorp and Variantyx, Inc.).

NM_001368894.2(PAX6):c.419T>A (p.Val140Asp)

Gene: PAX6 (paired box 6; minus strand). Cytogenetic location: 11p13.
Variant type: single nucleotide variant.
Coding change: c.419T>A on transcript NM_001368894.2 (MANE Select); coding-DNA position 419, T replaced by A.
Protein change: p.Val140Asp; replaces valine 140 with aspartic acid.
Molecular consequence: missense variant. On other transcripts: 5 prime UTR variant (14), non-coding transcript variant (2).
Genome position (GRCh38, 1-based): chr11:31,800,837, A>T on the plus strand (T>A on the coding strand, the complement: PAX6 is on the minus strand). VCF-style: chr11-31800837-A-T. GRCh37 (hg19) VCF-style: chr11-31822385-A-T.
Other names: c.377T>A, p.Val126Asp (NM_001368917.2, NM_001368891.2, NM_001258464.2 and 10 more transcripts); c.494T>A, p.Val165Asp (NM_001368918.2, NM_001368919.2); c.452T>A, p.Val151Asp (NM_001368920.2); c.218T>A, p.Val73Asp (NM_001368921.2, NM_001368922.2, NM_001368923.2 and 4 more transcripts); c.176T>A, p.Val59Asp (NM_001368928.2); c.-32T>A (NM_001368929.2, NM_001368899.2, NM_001368900.2 and 11 more transcripts); c.419T>A, p.Val140Asp (NM_001604.6, NM_001368892.2, NM_001368893.2 and 6 more transcripts); c.620T>A, p.Val207Asp (NM_001368910.2); and 2 more; short protein forms V126D, V140D, V165D, V207D, V59D, V73D, V141D, V151D.
Identifiers: ClinVar variation 3471 (VCV000003471.12), dbSNP rs121907919, ClinGen allele CA116224.